The following is an entry in ClinVar:

ClinVar aggregate classification (germline): Pathogenic (1 of 4 stars; one submission).

Conditions:
Fanconi anemia (FA). Also called: Fanconi's anemia. Identifiers: Orphanet 84, MedGen C0015625, MeSH D005199, MONDO:0019391.

Submission:

Labcorp Genetics (formerly Invitae), Labcorp
Classification: Pathogenic for Fanconi anemia. Last evaluated: 2023-12-20. Review status: criteria provided, single submitter. Criteria: Invitae Variant Classification Sherloc (09022015). Collection method: clinical testing. Allele origin: unknown.
Comment: This variant is a gross deletion of the genomic region encompassing exon(s) 29-31 of the FANCA gene. This variant would be expected to be in-frame, preserving the integrity of the reading frame. A similar copy number variant has been observed in individual(s) with Fanconi anemia (PMID: 10521298). This variant disrupts a region of the FANCA protein in which other variant(s) (p.Glu936Gly) have been determined to be pathogenic (PMID: 15643609, 17924555). This suggests that this is a clinically significant region of the protein, and that variants that disrupt it are likely to be disease-causing. For these reasons, this variant has been classified as Pathogenic.

Literature cited by the submitters: PubMed 10521298; PubMed 15643609; PubMed 17924555.

NC_000016.9:g.(?_89818526)_(89828450_?)del

Gene: FANCA (FA complementation group A; minus strand). Cytogenetic location: 16q24.3.
Variant type: Deletion.
Identifiers: ClinVar variation 3243263 (VCV003243263.1).